The following is an entry in ClinVar:

ClinVar aggregate classification (germline): Uncertain significance (1 of 4 stars; one submission).

Conditions:
Inborn genetic diseases. Identifiers: MedGen C0950123, MeSH D030342.

gnomAD v4.1: 1 of 1,614,180 alleles (0.000062%); highest among the groups gnomAD compares: Non-Finnish European, 0.000085%; no homozygotes.

Submission:

Ambry Genetics
Classification: Uncertain significance for Inborn genetic diseases. Last evaluated: 2026-01-18. Review status: criteria provided, single submitter. Criteria: Ambry Variant Classification Scheme 2023. Collection method: clinical testing. Allele origin: germline.
Comment: The p.A533P variant (also known as c.1597G>C), located in coding exon 12 of the ASXL1 gene, results from a G to C substitution at nucleotide position 1597. The alanine at codon 533 is replaced by proline, an amino acid with highly similar properties. This amino acid position is conserved. In addition, this alteration is predicted to be tolerated by in silico analysis. Based on the available evidence, the clinical significance of this variant remains unclear.

NM_015338.6(ASXL1):c.1597G>C (p.Ala533Pro)

Gene: ASXL1 (ASXL transcriptional regulator 1; plus strand). Cytogenetic location: 20q11.21.
Variant type: single nucleotide variant.
Coding change: c.1597G>C on transcript NM_015338.6 (MANE Select); coding-DNA position 1597, G replaced by C.
Protein change: p.Ala533Pro; replaces alanine 533 with proline.
Molecular consequence: missense variant.
Genome position (GRCh38, 1-based): chr20:32,433,795, G>C. VCF-style: chr20-32433795-G-C. GRCh37 (hg19) VCF-style: chr20-31021598-G-C.
Other names: c.1414G>C, p.Ala472Pro (NM_001363734.1); short protein forms A472P, A533P.
Identifiers: ClinVar variation 4825188 (VCV004825188.1).